The following is an entry in ClinVar:

ClinVar aggregate classification (germline): Uncertain significance (1 of 4 stars; one submission).

Conditions:
Autosomal recessive limb-girdle muscular dystrophy type 2L (LGMDR12). Also called: Limb-Girdle Muscular Dystrophy R12 Anoctamin-5-Related (LGMD-R12); MUSCULAR DYSTROPHY, LIMB-GIRDLE, AUTOSOMAL RECESSIVE 12; Limb-girdle muscular dystrophy, type 2L. Identifiers: Orphanet 206549, MedGen C1969785, MONDO:0012652, OMIM 611307.
Gnathodiaphyseal dysplasia (GDD). Also called: GNATHODIAPHYSEAL SCLEROSIS; OSTEOGENESIS IMPERFECTA WITH UNUSUAL SKELETAL LESIONS. Identifiers: Orphanet 53697, MedGen C1833736, MONDO:0008151, OMIM 166260.

Submission:

Labcorp Genetics (formerly Invitae), Labcorp
Classification: Uncertain significance for Autosomal recessive limb-girdle muscular dystrophy type 2L; Gnathodiaphyseal dysplasia. Last evaluated: 2023-12-01. Review status: criteria provided, single submitter. Criteria: Invitae Variant Classification Sherloc (09022015). Collection method: clinical testing. Allele origin: germline.
Comment: This sequence change replaces proline, which is neutral and non-polar, with alanine, which is neutral and non-polar, at codon 182 of the ANO5 protein (p.Pro182Ala). This variant is not present in population databases (gnomAD no frequency). This variant has not been reported in the literature in individuals affected with ANO5-related conditions. Advanced modeling of protein sequence and biophysical properties (such as structural, functional, and spatial information, amino acid conservation, physicochemical variation, residue mobility, and thermodynamic stability) has been performed at Invitae for this missense variant, however the output from this modeling did not meet the statistical confidence thresholds required to predict the impact of this variant on ANO5 protein function. In summary, the available evidence is currently insufficient to determine the role of this variant in disease. Therefore, it has been classified as a Variant of Uncertain Significance.

NM_213599.3(ANO5):c.544C>G (p.Pro182Ala)

Gene: ANO5 (anoctamin 5; plus strand). Cytogenetic location: 11p14.3.
Variant type: single nucleotide variant.
Coding change: c.544C>G on transcript NM_213599.3 (MANE Select); coding-DNA position 544, C replaced by G.
Protein change: p.Pro182Ala; replaces proline 182 with alanine.
Molecular consequence: missense variant.
Genome position (GRCh38, 1-based): chr11:22,227,482, C>G. VCF-style: chr11-22227482-C-G. GRCh37 (hg19) VCF-style: chr11-22249028-C-G.
Other names: c.541C>G, p.Pro181Ala (NM_001142649.2); c.502C>G, p.Pro168Ala (NM_001410963.1); c.499C>G, p.Pro167Ala (NM_001410964.1); short protein forms P168A, P182A, P167A, P181A.
Identifiers: ClinVar variation 2927786 (VCV002927786.3), dbSNP rs2494150586, ClinGen allele CA379919873.